The following is an entry in ClinVar:

NM_001134407.3(GRIN2A):c.2309C>A (p.Pro770His)

Gene: GRIN2A (glutamate ionotropic receptor NMDA type subunit 2A; minus strand). Cytogenetic location: 16p13.2.
Variant type: single nucleotide variant.
Coding change: c.2309C>A on transcript NM_001134407.3 (MANE Select); coding-DNA position 2309, C replaced by A.
Protein change: p.Pro770His; replaces proline 770 with histidine.
Molecular consequence: missense variant.
Genome position (GRCh38, 1-based): chr16:9,798,324, G>T on the plus strand (C>A on the coding strand, the complement: GRIN2A is on the minus strand). VCF-style: chr16-9798324-G-T. GRCh37 (hg19) VCF-style: chr16-9892181-G-T.
Other names: c.2309C>A, p.Pro770His (NM_000833.5, NM_001134408.2); short protein forms P770H.
Identifiers: ClinVar variation 2498056 (VCV002498056.1), dbSNP rs2506038961, ClinGen allele CA394797039.

ClinVar aggregate classification (germline): Uncertain significance (1 of 4 stars; one submission).

Submission:

GeneDx
Classification: Uncertain significance. Last evaluated: 2022-10-06. Review status: criteria provided, single submitter. Criteria: GeneDx Variant Classification Process June 2021. Collection method: clinical testing. Allele origin: germline. Affected: yes.
Comment: Not observed at significant frequency in large population cohorts (gnomAD); In silico analysis supports that this missense variant does not alter protein structure/function; Has not been previously published as pathogenic or benign to our knowledge; This variant is associated with the following publications: (PMID: 27839871)